The following is an entry in ClinVar:

ClinVar aggregate classification (germline): Uncertain significance (1 of 4 stars; one submission).

Conditions:
Inborn genetic diseases. Identifiers: MedGen C0950123, MeSH D030342.

Submission:

Ambry Genetics
Classification: Uncertain significance for Inborn genetic diseases. Last evaluated: 2025-10-10. Review status: criteria provided, single submitter. Criteria: Ambry Variant Classification Scheme 2023. Collection method: clinical testing. Allele origin: germline.
Comment: The p.L306R variant (also known as c.917T>G), located in coding exon 7 of the FANCG gene, results from a T to G substitution at nucleotide position 917. The leucine at codon 306 is replaced by arginine, an amino acid with dissimilar properties. This amino acid position is conserved. In addition, the in silico prediction for this alteration is inconclusive. Based on the available evidence, the clinical significance of this variant remains unclear.

NM_004629.2(FANCG):c.917T>G (p.Leu306Arg)

Gene: FANCG (FA complementation group G; minus strand). Cytogenetic location: 9p13.3.
Variant type: single nucleotide variant.
Coding change: c.917T>G on transcript NM_004629.2 (MANE Select); coding-DNA position 917, T replaced by G.
Protein change: p.Leu306Arg; replaces leucine 306 with arginine.
Molecular consequence: missense variant.
Genome position (GRCh38, 1-based): chr9:35,076,731, A>C on the plus strand (T>G on the coding strand, the complement: FANCG is on the minus strand). VCF-style: chr9-35076731-A-C. GRCh37 (hg19) VCF-style: chr9-35076728-A-C.
Other names: short protein forms L306R.
Identifiers: ClinVar variation 4619367 (VCV004619367.1).
Genomic context (GRCh38, chr9:35,076,731, plus strand): 5'-CACAAGCACCTCAGGAATCCTCCACCCCACATCTTCACCTGGCAGTTCCCTACCTCAACT[A>C]GCAGCTCCAGACTCTCCAGCTCTGCTGTTGTGTCCCCCAGTTGCTGATAGAGCCTAGAGG-3'
Protein context (NP_004620.1, residues 296-316): TTAELESLEL[Leu306Arg]VEALNVPCSS